The following is an entry in ClinVar:

NM_004415.4(DSP):c.8426C>A (p.Ser2809Ter)

Gene: DSP (desmoplakin; plus strand). Cytogenetic location: 6p24.3.
Variant type: single nucleotide variant.
Coding change: c.8426C>A on transcript NM_004415.4 (MANE Select); coding-DNA position 8426, C replaced by A.
Protein change: p.Ser2809Ter; replaces serine 2809 with a stop codon.
Molecular consequence: nonsense.
Genome position (GRCh38, 1-based): chr6:7,585,688, C>A. VCF-style: chr6-7585688-C-A. GRCh37 (hg19) VCF-style: chr6-7585921-C-A.
Other names: c.6629C>A, p.Ser2210Ter (NM_001008844.3); c.7097C>A, p.Ser2366Ter (NM_001319034.2); c.8426C>A (NM_004415.3); short protein forms S2210*, S2366*, S2809*.
Identifiers: ClinVar variation 4758211 (VCV004758211.2).

ClinVar aggregate classification (germline): Uncertain significance. Review status: criteria provided, multiple submitters, no conflicts (2 of 4 stars). 2 submissions from 2 submitters: Uncertain significance (2). Last evaluated 2025-11-05.

Conditions:
DSP-related disorder. Also called: DSP-related disorders; DSP-related condition.
Cardiomyopathy (CMYO). Also called: Cardiomyopathies. Identifiers: Orphanet 167848, MedGen C0878544, MONDO:0004994, HP:0001638. Inheritance: Various modes of inheritance.

Submissions (2):

Color Diagnostics, LLC DBA Color Health
Classification: Uncertain significance for Cardiomyopathy. Last evaluated: 2025-11-05. Review status: criteria provided, single submitter. Criteria: ACMG Guidelines, 2015. Collection method: clinical testing. Allele origin: germline.
Comment: This variant changes 1 nucleotide in exon 24 of the DSP gene, creating a premature translation stop signal in the last exon. This variant is expected to result in an absent or non-functional protein product. To our knowledge, this variant has not been reported in individuals affected with DSP-related disorders in the literature. This variant has not been identified in the general population by the Genome Aggregation Database (gnomAD). Loss of DSP function is a known mechanism of disease. The available evidence is insufficient to determine the role of this variant in disease conclusively. Therefore, this variant is classified as a Variant of Uncertain Significance.

PreventionGenetics, part of Exact Sciences
Classification: Uncertain significance for DSP-related condition. Last evaluated: 2025-06-19. Review status: criteria provided, single submitter. Criteria: ACMG Guidelines, 2015. Collection method: clinical testing. Allele origin: germline.
Comment: The DSP c.8426C>A variant is predicted to result in premature protein termination (p.Ser2809*). To our knowledge, this variant has not been reported in the literature or in a large population database (gnomAD), indicating this variant is rare. This variant resides in the last exon of DSP gene and it is unclear whether the resulting messenger RNA escapes nonsense mediated decay. A downstream loss-of-function variant (c.8576_8577delCT) has ben reported in the homozygous state in an infant with epidermolysis bullosa simplex (EBS-DSP) and lethal arrhythmogenic cardiomyopathy (Camors et al. 2020. PubMed ID: 32164419). Both parents were reported heterozygous for this variant, father had lesions on his feet compatible with EB and the mother had lethal hypertrophic cardiomyopathy (Camors et al. 2020. PubMed ID: 32164419). Two additional downstream loss-of function variants have been reported in the homozygous state in an individual with dilated cardiomyopathy (c.8495_8496insATCTC in Carnevale. 2020. PubMed ID: 32969603), and an individual with arrhythmogenic left ventricular cardiomyopathy (c.8586delC reported as VUS in Pantou et al. 2023. PubMed ID: 37143080). Although we suspect that the c.8426C>A (p.Ser2809*) variant may be pathogenic, at this time, the clinical significance of this variant is uncertain due to the absence of conclusive functional and genetic evidence.